The following is an entry in ClinVar:

NM_001365999.1(SZT2):c.4280C>T (p.Ala1427Val)

Gene: SZT2 (SZT2 subunit of KICSTOR complex; plus strand). Cytogenetic location: 1p34.2.
Variant type: single nucleotide variant.
Coding change: c.4280C>T on transcript NM_001365999.1 (MANE Select); coding-DNA position 4280, C replaced by T.
Protein change: p.Ala1427Val; replaces alanine 1427 with valine.
Molecular consequence: missense variant.
Genome position (GRCh38, 1-based): chr1:43,429,816, C>T. VCF-style: chr1-43429816-C-T. GRCh37 (hg19) VCF-style: chr1-43895487-C-T.
Other names: c.4109C>T, p.Ala1370Val (NM_015284.4); short protein forms A1370V, A1427V.
Identifiers: ClinVar variation 1024180 (VCV001024180.6), dbSNP rs1489168291, ClinGen allele CA340020689.

ClinVar aggregate classification (germline): Uncertain significance. Review status: criteria provided, multiple submitters, no conflicts (2 of 4 stars). 3 submissions from 3 submitters: Uncertain significance (3). Last evaluated 2023-04-11.

Conditions:
Developmental and epileptic encephalopathy, 18 (DEE18). Also called: Early infantile epileptic encephalopathy 18. Identifiers: Orphanet 369894, MedGen C3809624, MONDO:0014201, OMIM 615476.
Inborn genetic diseases. Identifiers: MedGen C0950123, MeSH D030342.

Allele frequency attached by ClinVar (database versions not stated): gnomAD exomes 0.00001; gnomAD 0.00004 and 0.00005; TOPMed 0.00017.
gnomAD v4.1: 16 of 1,614,068 alleles (0.00099%); highest among the groups gnomAD compares: Admixed American, 0.022%; no homozygotes.

Submissions (3):

Genome-Nilou Lab
Classification: Uncertain significance for Developmental and epileptic encephalopathy, 18. Last evaluated: 2023-04-11. Review status: criteria provided, single submitter. Criteria: ACMG Guidelines, 2015. Collection method: clinical testing. Allele origin: germline. Affected: no.

Labcorp Genetics (formerly Invitae), Labcorp
Classification: Uncertain significance. Last evaluated: 2022-03-19. Review status: criteria provided, single submitter. Criteria: Invitae Variant Classification Sherloc (09022015). Collection method: clinical testing. Allele origin: germline.
Comment: This sequence change replaces alanine, which is neutral and non-polar, with valine, which is neutral and non-polar, at codon 1370 of the SZT2 protein (p.Ala1370Val). This variant is present in population databases (no rsID available, gnomAD 0.006%). This variant has not been reported in the literature in individuals affected with SZT2-related conditions. ClinVar contains an entry for this variant (Variation ID: 1024180). Algorithms developed to predict the effect of missense changes on protein structure and function output the following: SIFT: "Tolerated"; PolyPhen-2: "Benign"; Align-GVGD: "Class C0". The valine amino acid residue is found in multiple mammalian species, which suggests that this missense change does not adversely affect protein function. In summary, the available evidence is currently insufficient to determine the role of this variant in disease. Therefore, it has been classified as a Variant of Uncertain Significance.

Ambry Genetics
Classification: Uncertain significance for Inborn genetic diseases. Last evaluated: 2019-01-08. Review status: criteria provided, single submitter. Criteria: Ambry Variant Classification Scheme 2023. Collection method: clinical testing. Allele origin: germline.
Comment: The p.A1370V variant (also known as c.4109C>T), located in coding exon 28 of the SZT2 gene, results from a C to T substitution at nucleotide position 4109. The alanine at codon 1370 is replaced by valine, an amino acid with similar properties. This amino acid position is highly conserved in available vertebrate species. In addition, this alteration is predicted to be tolerated by in silico analysis. Since supporting evidence is limited at this time, the clinical significance of this alteration remains unclear.